The following is an entry in ClinVar:

NM_199420.4(POLQ):c.4397G>C (p.Arg1466Thr)

Gene: POLQ (DNA polymerase theta; minus strand). Cytogenetic location: 3q13.33.
Variant type: single nucleotide variant.
Coding change: c.4397G>C on transcript NM_199420.4 (MANE Select); coding-DNA position 4397, G replaced by C.
Protein change: p.Arg1466Thr; replaces arginine 1466 with threonine.
Molecular consequence: missense variant.
Genome position (GRCh38, 1-based): chr3:121,488,534, C>G on the plus strand (G>C on the coding strand, the complement: POLQ is on the minus strand). VCF-style: chr3-121488534-C-G. GRCh37 (hg19) VCF-style: chr3-121207381-C-G.
Other names: short protein forms R1466T.
Identifiers: ClinVar variation 3229998 (VCV003229998.1), dbSNP rs2546785942, ClinGen allele CA354095236.

ClinVar aggregate classification (germline): Uncertain significance (1 of 4 stars; one submission).

Submission:

Ambry Genetics
Classification: Uncertain significance. Last evaluated: 2024-01-11. Review status: criteria provided, single submitter. Criteria: Ambry Variant Classification Scheme 2023. Collection method: clinical testing. Allele origin: germline.
Comment: The p.R1466T variant (also known as c.4397G>C), located in coding exon 16 of the POLQ gene, results from a G to C substitution at nucleotide position 4397. The arginine at codon 1466 is replaced by threonine, an amino acid with similar properties. This amino acid position is conserved. In addition, this alteration is predicted to be tolerated by in silico analysis. Since supporting evidence is limited at this time, the clinical significance of this alteration remains unclear.